The following is an entry in ClinVar:

ClinVar aggregate classification (germline): Uncertain significance. Review status: criteria provided, multiple submitters, no conflicts (2 of 4 stars). 2 submissions from 2 submitters: Uncertain significance (2). Last evaluated 2024-05-22.

Conditions:
Dystonia 25 (DYT25). Also called: DYT-GNAL. Identifiers: Orphanet 329466, MedGen C4304670, MONDO:0014033, OMIM 615073.

Allele frequency attached by ClinVar (database versions not stated): TOPMed 0.00004.
gnomAD v4.1: 17 of 1,511,430 alleles (0.0011%); highest among the groups gnomAD compares: African/African-American, 0.0014%; no homozygotes.

Submissions (2):

Women's Health and Genetics/Laboratory Corporation of America, LabCorp
Classification: Uncertain significance. Last evaluated: 2024-05-22. Review status: criteria provided, single submitter. Criteria: LabCorp Variant Classification Summary - May 2015. Collection method: clinical testing. Allele origin: germline.
Comment: Variant summary: GNAL c.-62053C>T is located in the untranscribed region upstream of the GNAL gene region. The variant was absent in 106084 control chromosomes (gnomAD). The available data on variant occurrences in the general population are insufficient to allow any conclusion about variant significance. To our knowledge, no occurrence of c.-62053C>T in individuals affected with Dystonia 25 and no experimental evidence demonstrating its impact on protein function have been reported. ClinVar contains an entry for this variant (Variation ID: 2637618). Based on the evidence outlined above, the variant was classified as uncertain significance.

Department of Pathology and Laboratory Medicine, Sinai Health System
Classification: Uncertain significance for Dystonia 25. Last evaluated: 2023-09-06. Review status: criteria provided, single submitter. Criteria: ACMG Guidelines, 2015. Collection method: research. Allele origin: germline.

NM_182978.4(GNAL):c.193C>T (p.Arg65Trp)

Gene: GNAL (G protein subunit alpha L; plus strand). Cytogenetic location: 18p11.21.
Variant type: single nucleotide variant.
Coding change: c.193C>T on transcript NM_182978.4 (MANE Select); coding-DNA position 193, C replaced by T.
Protein change: p.Arg65Trp; replaces arginine 65 with tryptophan.
Molecular consequence: missense variant. On other transcripts: genic upstream transcript variant (1).
Genome position (GRCh38, 1-based): chr18:11,689,756, C>T. VCF-style: chr18-11689756-C-T. GRCh37 (hg19) VCF-style: chr18-11689755-C-T.
Other names: c.-62053C>T (NM_001142339.3); short protein forms R65W.
Identifiers: ClinVar variation 2637618 (VCV002637618.3), dbSNP rs1046793623, ClinGen allele CA296031692.